The following is an entry in ClinVar:

ClinVar aggregate classification (germline): Uncertain significance (1 of 4 stars; one submission).

Conditions:
Dyskeratosis congenita. Identifiers: Orphanet 1775, MedGen C0265965, MONDO:0015780.

Submission:

Ambry Genetics
Classification: Uncertain significance for Dyskeratosis congenita. Last evaluated: 2026-04-11. Review status: criteria provided, single submitter. Criteria: Ambry Variant Classification Scheme 2023. Collection method: clinical testing. Allele origin: germline.
Comment: The p.S206R variant (also known as c.618C>G), located in coding exon 2 of the TERT gene, results from a C to G substitution at nucleotide position 618. The serine at codon 206 is replaced by arginine, an amino acid with dissimilar properties. This amino acid position is conserved. In addition, this alteration is predicted to be tolerated by in silico analysis. Based on the available evidence, the clinical significance of this variant remains unclear.

NM_198253.3(TERT):c.618C>G (p.Ser206Arg)

Gene: TERT (telomerase reverse transcriptase; minus strand). Cytogenetic location: 5p15.33.
Variant type: single nucleotide variant.
Coding change: c.618C>G on transcript NM_198253.3 (MANE Select); coding-DNA position 618, C replaced by G.
Protein change: p.Ser206Arg; replaces serine 206 with arginine.
Molecular consequence: missense variant. On other transcripts: non-coding transcript variant (2).
Genome position (GRCh38, 1-based): chr5:1,294,268, G>C on the plus strand (C>G on the coding strand, the complement: TERT is on the minus strand). VCF-style: chr5-1294268-G-C. GRCh37 (hg19) VCF-style: chr5-1294383-G-C.
Other names: c.618C>G, p.Ser206Arg (NM_001193376.3); short protein forms S206R.
Identifiers: ClinVar variation 4865464 (VCV004865464.1).